The following is an entry in ClinVar:

ClinVar aggregate classification (germline): Pathogenic (1 of 4 stars; one submission).

Conditions:
Hereditary fructosuria. Also called: Hereditary fructose intolerance; Fructose intolerance; ALDOB DEFICIENCY; ALDOLASE B DEFICIENCY; FRUCTOSE-1,6-BISPHOSPHATE ALDOLASE B DEFICIENCY; FRUCTOSE-1-PHOSPHATE ALDOLASE DEFICIENCY. Identifiers: Orphanet 469, MedGen C0016751, MONDO:0009249, OMIM 229600, HP:0005973. Disease mechanism: loss of function.

gnomAD v4.1: 1 of 1,614,118 alleles (0.000062%); highest among the groups gnomAD compares: Non-Finnish European, 0.000085%; no homozygotes.

Submission:

Labcorp Genetics (formerly Invitae), Labcorp
Classification: Pathogenic for Hereditary fructosuria. Last evaluated: 2022-04-14. Review status: criteria provided, single submitter. Criteria: Invitae Variant Classification Sherloc (09022015). Collection method: clinical testing. Allele origin: germline.
Comment: For these reasons, this variant has been classified as Pathogenic. This variant has not been reported in the literature in individuals affected with ALDOB-related conditions. This variant is not present in population databases (gnomAD no frequency). This sequence change creates a premature translational stop signal (p.Gln12*) in the ALDOB gene. It is expected to result in an absent or disrupted protein product. Loss-of-function variants in ALDOB are known to be pathogenic (PMID: 18541450).

Literature cited by the submitters: PubMed 18541450.

NM_000035.4(ALDOB):c.34C>T (p.Gln12Ter)

Gene: ALDOB (aldolase, fructose-bisphosphate B; minus strand). Cytogenetic location: 9q31.1.
Variant type: single nucleotide variant.
Coding change: c.34C>T on transcript NM_000035.4 (MANE Select); coding-DNA position 34, C replaced by T.
Protein change: p.Gln12Ter; replaces glutamine 12 with a stop codon.
Molecular consequence: nonsense.
Genome position (GRCh38, 1-based): chr9:101,430,854, G>A on the plus strand (C>T on the coding strand, the complement: ALDOB is on the minus strand). VCF-style: chr9-101430854-G-A. GRCh37 (hg19) VCF-style: chr9-104193136-G-A.
Other names: short protein forms Q12*.
Identifiers: ClinVar variation 1454003 (VCV001454003.6), dbSNP rs190631679, ClinGen allele CA374266252.